The following is an entry in ClinVar:

ClinVar aggregate classification (germline): Pathogenic (1 of 4 stars; one submission).

Conditions:
Hereditary insensitivity to pain with anhidrosis (CIPA). Also called: NTRK1 Congenital Insensitivity to Pain with Anhidrosis; HSAN Type IV; FAMILIAL DYSAUTONOMIA, TYPE II; NEUROPATHY, CONGENITAL SENSORY, WITH ANHIDROSIS; hereditary sensory and autonomic neuropathy type 4; INSENSITIVITY TO PAIN, CONGENITAL, WITH ANHIDROSIS. Identifiers: Orphanet 642, MedGen C0020074, MONDO:0009746, OMIM 256800.

Submission:

Labcorp Genetics (formerly Invitae), Labcorp
Classification: Pathogenic for Hereditary insensitivity to pain with anhidrosis. Last evaluated: 2023-12-04. Review status: criteria provided, single submitter. Criteria: Invitae Variant Classification Sherloc (09022015). Collection method: clinical testing. Allele origin: germline.
Comment: This sequence change falls in intron 7 of the NTRK1 gene. It does not directly change the encoded amino acid sequence of the NTRK1 protein. This variant is not present in population databases (gnomAD no frequency). This variant has been observed in individual(s) with congenital insensitivity to pain with anhidrosis (PMID: 29770739, 34674383). In at least one individual the data is consistent with being in trans (on the opposite chromosome) from a pathogenic variant. This variant is also known as c.[851-798C>T; 851-794C>G]. Algorithms developed to predict the effect of sequence changes on RNA splicing suggest that this variant may create or strengthen a splice site. For these reasons, this variant has been classified as Pathogenic.

Literature cited by the submitters: PubMed 29770739; PubMed 34674383.

NM_002529.4(NTRK1):c.851-798_851-794delinsTCAGG

Gene: NTRK1 (neurotrophic receptor tyrosine kinase 1; plus strand). Cytogenetic location: 1q23.1.
Variant type: Indel.
Coding change: c.851-798_851-794delinsTCAGG on transcript NM_002529.4 (MANE Select); 798 bases into the intron before coding-DNA position 851 through 794 bases into the intron before coding-DNA position 851, CCAGC replaced by TCAGG.
Molecular consequence: intron variant.
Genome position (GRCh38, 1-based): chr1:156,872,835-156,872,839, CCAGC replaced by TCAGG. VCF-style: chr1-156872835-CCAGC-TCAGG. GRCh37 (hg19) VCF-style: chr1-156842627-CCAGC-TCAGG.
Other names: c.761-798_761-794delinsTCAGG (NM_001007792.1); c.851-798_851-794delinsTCAGG (NM_001012331.2).
Identifiers: ClinVar variation 2864463 (VCV002864463.3), dbSNP rs2525609335, ClinGen allele CA2586964220.